The following is an entry in ClinVar:

NM_004064.5(CDKN1B):c.577C>A (p.Leu193Ile)

Gene: CDKN1B (cyclin dependent kinase inhibitor 1B; plus strand). Cytogenetic location: 12p13.1.
Variant type: single nucleotide variant.
Coding change: c.577C>A on transcript NM_004064.5 (MANE Select); coding-DNA position 577, C replaced by A.
Protein change: p.Leu193Ile; replaces leucine 193 with isoleucine.
Molecular consequence: missense variant.
Genome position (GRCh38, 1-based): chr12:12,718,926, C>A. VCF-style: chr12-12718926-C-A. GRCh37 (hg19) VCF-style: chr12-12871860-C-A.
Other names: short protein forms L193I.
Identifiers: ClinVar variation 574361 (VCV000574361.10), dbSNP rs73281150, ClinGen allele CA383973174.

ClinVar aggregate classification (germline): Uncertain significance. Review status: criteria provided, multiple submitters, no conflicts (2 of 4 stars). 2 submissions from 2 submitters: Uncertain significance (2). Last evaluated 2021-07-15.

Conditions:
Multiple endocrine neoplasia type 4. Also called: MULTIPLE ENDOCRINE NEOPLASIA, TYPE IV. Identifiers: Orphanet 276152, MedGen C1970712, MONDO:0012552, OMIM 610755.
Hereditary cancer-predisposing syndrome. Also called: Hereditary neoplastic syndrome; Neoplastic Syndromes, Hereditary; Hereditary Cancer Syndrome; Tumor predisposition. Identifiers: Orphanet 140162, MedGen C0027672, MeSH D009386, MONDO:0015356.

Submissions (2):

Labcorp Genetics (formerly Invitae), Labcorp
Classification: Uncertain significance for Multiple endocrine neoplasia type 4. Last evaluated: 2021-07-15. Review status: criteria provided, single submitter. Criteria: Invitae Variant Classification Sherloc (09022015). Collection method: clinical testing. Allele origin: germline.
Comment: This variant is not present in population databases (ExAC no frequency). This sequence change replaces leucine with isoleucine at codon 193 of the CDKN1B protein (p.Leu193Ile). The leucine residue is highly conserved and there is a small physicochemical difference between leucine and isoleucine. This variant has not been reported in the literature in individuals with CDKN1B-related disease. In summary, the available evidence is currently insufficient to determine the role of this variant in disease. Therefore, it has been classified as a Variant of Uncertain Significance. Algorithms developed to predict the effect of missense changes on protein structure and function do not agree on the potential impact of this missense change (SIFT: "Deleterious"; PolyPhen-2: "Possibly Damaging"; Align-GVGD: "Class C0").

Sema4
Classification: Uncertain significance for Hereditary cancer-predisposing syndrome. Last evaluated: 2021-06-21. Review status: criteria provided, single submitter. Criteria: Sema4 Curation Guidelines. Collection method: curation. Allele origin: germline.
Comment: The CDKN1B c.577C>A (p.L193I) variant has not been reported in the literature to our knowledge. It was not observed in the large and broad cohorts of the Genome Aggregation Database (PMID: 32461654). The variant has been reported in ClinVar (Variation ID: 574361). In silico tools suggest the impact of the variant on protein function is benign, though these predictions have not been confirmed by functional studies. The evidence is insufficient to meet ACMG/AMP criteria for classifying the variant as benign or pathogenic. Thus, the clinical significance of this variant is currently uncertain.